The following is an entry in ClinVar:

NM_005732.4(RAD50):c.868G>A (p.Glu290Lys)

Gene: RAD50 (RAD50 double strand break repair protein; plus strand). Cytogenetic location: 5q31.1.
Variant type: single nucleotide variant.
Coding change: c.868G>A on transcript NM_005732.4 (MANE Select); coding-DNA position 868, G replaced by A.
Protein change: p.Glu290Lys; replaces glutamic acid 290 with lysine.
Molecular consequence: missense variant.
Genome position (GRCh38, 1-based): chr5:132,587,673, G>A. VCF-style: chr5-132587673-G-A. GRCh37 (hg19) VCF-style: chr5-131923365-G-A.
Other names: short protein forms E290K.
Identifiers: ClinVar variation 480389 (VCV000480389.11), dbSNP rs1172931460, ClinGen allele CA360940538.

ClinVar aggregate classification (germline): Uncertain significance. Review status: criteria provided, multiple submitters, no conflicts (2 of 4 stars). 2 submissions from 2 submitters: Uncertain significance (2). Last evaluated 2024-03-09.

Conditions:
Hereditary cancer-predisposing syndrome. Also called: Hereditary Cancer Syndrome; Neoplastic Syndromes, Hereditary; Tumor predisposition; Hereditary neoplastic syndrome. Identifiers: Orphanet 140162, MedGen C0027672, MeSH D009386, MONDO:0015356.

Allele frequency attached by ClinVar (database versions not stated): gnomAD exomes below 0.00001.
gnomAD v4.1: 2 of 1,613,746 alleles (0.00012%); highest among the groups gnomAD compares: Admixed American, 0.0017%; no homozygotes.

Submissions (2):

Ambry Genetics
Classification: Uncertain significance for Hereditary cancer-predisposing syndrome. Last evaluated: 2024-03-09. Review status: criteria provided, single submitter. Criteria: Ambry Variant Classification Scheme 2023. Collection method: clinical testing. Allele origin: germline.
Comment: The p.E290K variant (also known as c.868G>A), located in coding exon 6 of the RAD50 gene, results from a G to A substitution at nucleotide position 868. The glutamic acid at codon 290 is replaced by lysine, an amino acid with similar properties. This variant was not reported in population based cohorts in the following databases: Database of Single Nucleotide Polymorphisms (dbSNP), NHLBI Exome Sequencing Project (ESP), and 1000 Genomes Project. In the ESP, this variant was not observed in 6501 samples (13002 alleles) with coverage at this position. To date, this alteration has been detected with an allele frequency of approximately 0.002% (greater than 120000 alleles tested) in our clinical cohort. This amino acid position is not well conserved in available vertebrate species. In addition, this alteration is predicted to be tolerated by in silico analysis. Since supporting evidence is limited at this time, the clinical significance of p.E290K remains unclear.

Labcorp Genetics (formerly Invitae), Labcorp
Classification: Uncertain significance for Hereditary cancer-predisposing syndrome. Last evaluated: 2021-09-29. Review status: criteria provided, single submitter. Criteria: Invitae Variant Classification Sherloc (09022015). Collection method: clinical testing. Allele origin: germline.
Comment: In summary, the available evidence is currently insufficient to determine the role of this variant in disease. Therefore, it has been classified as a Variant of Uncertain Significance. Algorithms developed to predict the effect of missense changes on protein structure and function (SIFT, PolyPhen-2, Align-GVGD) all suggest that this variant is likely to be tolerated. ClinVar contains an entry for this variant (Variation ID: 480389). This variant has not been reported in the literature in individuals affected with RAD50-related conditions. This variant is not present in population databases (ExAC no frequency). This sequence change replaces glutamic acid with lysine at codon 290 of the RAD50 protein (p.Glu290Lys). The glutamic acid residue is moderately conserved and there is a small physicochemical difference between glutamic acid and lysine.